The following is an entry in ClinVar:

NM_001927.4(DES):c.1325C>T (p.Thr442Ile)

Gene: DES (desmin; plus strand). Cytogenetic location: 2q35.
Variant type: single nucleotide variant.
Coding change: c.1325C>T on transcript NM_001927.4 (MANE Select); coding-DNA position 1325, C replaced by T.
Protein change: p.Thr442Ile; replaces threonine 442 with isoleucine.
Molecular consequence: missense variant.
Genome position (GRCh38, 1-based): chr2:219,425,699, C>T. VCF-style: chr2-219425699-C-T. GRCh37 (hg19) VCF-style: chr2-220290421-C-T.
Other names: c.1325C>T, p.Thr442Ile (LRG_380t1); short protein forms T442I.
Identifiers: ClinVar variation 16834 (VCV000016834.53), dbSNP rs121913005, ClinGen allele CA217036.
Genomic context (GRCh38, chr2:219,425,699, plus strand): 5'-AGTGTGCGATGGACCCTGTTACAGAAACCAGCCCTGAGCAAAGGGGTTCTGAGGTCCATA[C>T]CAAGAAGACGGTGATGATCAAGACCATCGAGACACGGGATGGGGAGGTAAGTGGTCTGTC-3'
Protein context (NP_001918.3, residues 432-452): SPEQRGSEVH[Thr442Ile]KKTVMIKTIE

ClinVar aggregate classification (germline): Pathogenic. Review status: criteria provided, multiple submitters, no conflicts (2 of 4 stars). 5 submissions from 5 submitters: Pathogenic (3). 2 of the submissions do not count toward it. Last evaluated 2025-04-01.

Conditions:
Desmin-related myofibrillar myopathy (MFM1). Also called: Desminopathy; MYOFIBRILLAR MYOPATHY WITH ARRHYTHMOGENIC RIGHT VENTRICULAR CARDIOMYOPATHY; DESMIN-RELATED MYOPATHY WITH ARRHYTHMOGENIC RIGHT VENTRICULAR CARDIOMYOPATHY; Myofibrillar myopathy 1; Desmin related myopathy (former name); Desmin storage myopathy (former name). Identifiers: Orphanet 363543, Orphanet 98909, MedGen C1832370, MONDO:0011076, OMIM 601419.

Submissions (5):

CeGaT Center for Human Genetics Tuebingen
Classification: Pathogenic. Last evaluated: 2025-04-01. Review status: criteria provided, single submitter. Criteria: CeGaT Center For Human Genetics Tuebingen Variant Classification Criteria Version 2. Collection method: clinical testing. Allele origin: germline. Affected: yes. Observed: 2 variant alleles.
Comment: DES: PP1:Strong, PS4, PM2, PP4

Labcorp Genetics (formerly Invitae), Labcorp
Classification: Pathogenic for Desmin-related myofibrillar myopathy. Last evaluated: 2018-12-10. Review status: criteria provided, single submitter. Criteria: Invitae Variant Classification Sherloc (09022015). Collection method: clinical testing. Allele origin: germline.
Comment: For these reasons, this variant has been classified as Pathogenic. Experimental studies have shown that this missense change affects desmin assembly and aggregate formation (PMID: 17221859, 21262226). This variant has been reported to segregate with autosomal dominant cardiac and skeletal myopathy in families (PMID: 17221859, 22153487) and has been reported in several individuals affected with autosomal dominant myofibrillar myopathy and desmin-related myopathy (PMID:18653338, 22215463). ClinVar contains an entry for this variant (Variation ID: 16834). This variant is not present in population databases (ExAC no frequency). This sequence change replaces threonine with isoleucine at codon 442 of the DES protein (p.Thr442Ile). The threonine residue is moderately conserved and there is a moderate physicochemical difference between threonine and isoleucine.

Eurofins Ntd Llc (ga)
Classification: Pathogenic. Last evaluated: 2018-05-21. Review status: criteria provided, single submitter. Criteria: EGL ClinVar v180209 classification definitions. Collection method: clinical testing. Allele origin: germline. Observed: 4 variant alleles, 4 heterozygotes.

OMIM
Classification: Pathogenic for MYOPATHY, MYOFIBRILLAR, 1. Last evaluated: 2007-04-01. Review status: no assertion criteria provided. Collection method: literature only. Allele origin: germline. Not counted in ClinVar's aggregate classification.

Epithelial Biology;  Institute of Medical Biology, Singapore
No classification provided. Review status: no classification provided. Collection method: not provided. Allele origin: not provided. Not counted in ClinVar's aggregate classification.

Literature cited by the submitters: PubMed 17221859 (cited by 3 submitters); PubMed 21262226 (cited by Labcorp Genetics (formerly Invitae), Labcorp); PubMed 22153487 (cited by Labcorp Genetics (formerly Invitae), Labcorp and Eurofins Ntd Llc (ga)); PubMed 18653338 (cited by Labcorp Genetics (formerly Invitae), Labcorp); PubMed 22215463 (cited by Labcorp Genetics (formerly Invitae), Labcorp and Eurofins Ntd Llc (ga)).